The following is an entry in ClinVar:

ClinVar aggregate classification (germline): Uncertain significance (1 of 4 stars; one submission).

Allele frequency attached by ClinVar (database versions not stated): ExAC 0.00001.
gnomAD v4.1: 9 of 1,614,032 alleles (0.00056%); highest among the groups gnomAD compares: Non-Finnish European, 0.00068%; no homozygotes.

Submission:

Labcorp Genetics (formerly Invitae), Labcorp
Classification: Uncertain significance. Last evaluated: 2022-10-07. Review status: criteria provided, single submitter. Criteria: Invitae Variant Classification Sherloc (09022015). Collection method: clinical testing. Allele origin: germline.
Comment: This sequence change replaces serine, which is neutral and polar, with tryptophan, which is neutral and slightly polar, at codon 79 of the DYRK1B protein (p.Ser79Trp). This variant is present in population databases (rs770939435, gnomAD 0.004%). This variant has not been reported in the literature in individuals affected with DYRK1B-related conditions. Advanced modeling of protein sequence and biophysical properties (such as structural, functional, and spatial information, amino acid conservation, physicochemical variation, residue mobility, and thermodynamic stability) performed at Invitae indicates that this missense variant is not expected to disrupt DYRK1B protein function. In summary, the available evidence is currently insufficient to determine the role of this variant in disease. Therefore, it has been classified as a Variant of Uncertain Significance.

NM_004714.3(DYRK1B):c.236C>G (p.Ser79Trp)

Gene: DYRK1B (dual specificity tyrosine phosphorylation regulated kinase 1B; minus strand). Cytogenetic location: 19q13.2.
Variant type: single nucleotide variant.
Coding change: c.236C>G on transcript NM_004714.3 (MANE Select); coding-DNA position 236, C replaced by G.
Protein change: p.Ser79Trp; replaces serine 79 with tryptophan.
Molecular consequence: missense variant.
Genome position (GRCh38, 1-based): chr19:39,830,511, G>C on the plus strand (C>G on the coding strand, the complement: DYRK1B is on the minus strand). VCF-style: chr19-39830511-G-C. GRCh37 (hg19) VCF-style: chr19-40321151-G-C.
Other names: c.236C>G, p.Ser79Trp (NM_006483.3, NM_006484.3); short protein forms S79W.
Identifiers: ClinVar variation 1946266 (VCV001946266.5), dbSNP rs770939435, ClinGen allele CA9434381.
Genomic context (GRCh38, chr19:39,830,511, plus strand): 5'-TAGTCATGGTTGTCGTCATCATAACCATGGTTCAGGACCTTCTTCTCCTTCTTGTTGCTC[G>C]AATCCTGGGGTGGCGCCTGCTGGGCCCGCCGCTTCTTCTTCGCATAGTATACCTGCCCAG-3'
Protein context (NP_004705.1, residues 69-89): RRAQQAPPQD[Ser79Trp]SNKKEKKVLN